The following is an entry in ClinVar:

NC_012920.1(MT-ATP6):m.9052A>G

Gene: MT-ATP6 (mitochondrially encoded ATP synthase 6; plus strand).
Variant type: single nucleotide variant.
Genome position: chrM-9052-A-G.
Identifiers: ClinVar variation 693065 (VCV000693065.1), dbSNP rs1556423597, ClinGen allele CA414802029.

ClinVar aggregate classification (germline): Benign (1 of 4 stars; one submission).

Conditions:
Leigh syndrome (NULS). Also called: Leigh's necrotizing encephalopathy; Leigh's disease; Leigh Syndrome (mtDNA deletion); Leigh Disease; Subacute necrotizing encephalopathy; Necrotizing encephalopathy infantile subacute of Leigh. Identifiers: Orphanet 506, MedGen C2931891, MONDO:0009723, OMIM 256000.

Submission:

Wong Mito Lab, Molecular and Human Genetics, Baylor College of Medicine
Classification: Benign for Leigh syndrome. Last evaluated: 2019-10-17. Review status: criteria provided, single submitter. Criteria: Modified ACMG Guidelines (Unpublished). Collection method: clinical testing. Allele origin: germline.
Comment: The NC_012920.1:m.9052A>G (YP_003024031.1:p.Ser176Gly) variant in MTATP6 gene is interpretated to be a Benign variant based on the modified ACMG guidelines (unpublished). This variant meets the following evidence codes: BS1, BS2, BP4